The following is an entry in ClinVar:

ClinVar aggregate classification (germline): Conflicting classifications of pathogenicity. Review status: criteria provided, conflicting classifications (1 of 4 stars). 3 submissions from 3 submitters: Uncertain significance (2); Likely benign (1). Last evaluated 2025-03-31.

Conditions:
Developmental and epileptic encephalopathy, 5 (DEE5). Identifiers: Orphanet 3451, MedGen C3150731, MONDO:0013277, OMIM 613477.
Early-infantile DEE. Also called: Ohtahara syndrome; Early infantile epileptic encephalopathy; Early infantile epileptic encephalopathy with suppression bursts. Identifiers: Orphanet 1934, MedGen C0393706, MONDO:0800491.

Allele frequency attached by ClinVar (database versions not stated): ExAC 0.00001; gnomAD exomes 0.00001.
gnomAD v4.1: 8 of 1,614,040 alleles (0.0005%); highest among the groups gnomAD compares: Non-Finnish European, 0.00068%; no homozygotes.

Submissions (3):

Labcorp Genetics (formerly Invitae), Labcorp
Classification: Uncertain significance for Early-infantile DEE. Last evaluated: 2025-03-31. Review status: criteria provided, single submitter. Criteria: Invitae Variant Classification Sherloc (09022015). Collection method: clinical testing. Allele origin: germline.
Comment: This sequence change replaces lysine, which is basic and polar, with asparagine, which is neutral and polar, at codon 1974 of the SPTAN1 protein (p.Lys1974Asn). This variant is present in population databases (rs777407223, gnomAD 0.002%). This variant has not been reported in the literature in individuals affected with SPTAN1-related conditions. ClinVar contains an entry for this variant (Variation ID: 207297). Invitae Evidence Modeling of protein sequence and biophysical properties (such as structural, functional, and spatial information, amino acid conservation, physicochemical variation, residue mobility, and thermodynamic stability) has been performed for this missense variant. However, the output from this modeling did not meet the statistical confidence thresholds required to predict the impact of this variant on SPTAN1 protein function. This variant disrupts the p.Lys1974 amino acid residue in SPTAN1. Other variant(s) that disrupt this residue have been determined to be pathogenic (internal data). This suggests that this residue is clinically significant, and that variants that disrupt this residue are likely to be disease-causing. In summary, the available evidence is currently insufficient to determine the role of this variant in disease. Therefore, it has been classified as a Variant of Uncertain Significance.

Genome-Nilou Lab
Classification: Uncertain significance for Developmental and epileptic encephalopathy, 5. Last evaluated: 2021-07-15. Review status: criteria provided, single submitter. Criteria: ACMG Guidelines, 2015. Collection method: clinical testing. Allele origin: germline. Affected: no.

GeneDx
Classification: Likely benign. Last evaluated: 2017-07-05. Review status: criteria provided, single submitter. Criteria: GeneDx Variant Classification (06012015). Collection method: clinical testing. Allele origin: germline. Affected: yes.
Comment: This variant is considered likely benign or benign based on one or more of the following criteria: it is a conservative change, it occurs at a poorly conserved position in the protein, it is predicted to be benign by multiple in silico algorithms, and/or has population frequency not consistent with disease.

NM_001130438.3(SPTAN1):c.5922G>C (p.Lys1974Asn)

Gene: SPTAN1 (spectrin alpha, non-erythrocytic 1; plus strand). Cytogenetic location: 9q34.11.
Variant type: single nucleotide variant.
Coding change: c.5922G>C on transcript NM_001130438.3 (MANE Select); coding-DNA position 5922, G replaced by C.
Protein change: p.Lys1974Asn; replaces lysine 1974 with asparagine.
Molecular consequence: missense variant.
Genome position (GRCh38, 1-based): chr9:128,624,417, G>C. VCF-style: chr9-128624417-G-C. GRCh37 (hg19) VCF-style: chr9-131386696-G-C.
Other names: p.K1974N:AAG>AAC; c.5847G>C, p.Lys1949Asn (NM_001195532.2); c.5922G>C, p.Lys1974Asn (NM_001363759.2); c.5862G>C, p.Lys1954Asn (NM_001363765.2); c.5907G>C, p.Lys1969Asn (NM_003127.4); short protein forms K1974N, K1969N, K1949N, K1954N.
Identifiers: ClinVar variation 207297 (VCV000207297.11), dbSNP rs777407223, ClinGen allele CA318629.